The following is an entry in ClinVar:

NM_139315.3(TAF6):c.1458+10C>T

Genes: AP4M1 (adaptor related protein complex 4 subunit mu 1; plus strand), TAF6 (TATA-box binding protein associated factor 6; minus strand). Cytogenetic location: 7q22.1.
Variant type: single nucleotide variant.
Coding change: c.1458+10C>T on transcript NM_139315.3 (MANE Select); 10 bases into the intron after coding-DNA position 1458, C replaced by T.
Molecular consequence: intron variant. On other transcripts: 3 prime UTR variant (2).
Genome position (GRCh38, 1-based): chr7:100,108,357, G>A on the plus strand (C>T on the coding strand, the complement: TAF6 is on the minus strand). VCF-style: chr7-100108357-G-A. GRCh37 (hg19) VCF-style: chr7-99705980-G-A.
Other names: c.*1475G>A (NM_001363671.2, NM_004722.4); c.1569+10C>T (NM_001190415.2); c.1428+10C>T (NM_001365001.1, NM_001365000.1, NM_001365003.1 and 1 more transcripts); c.1596+10C>T (NM_001365004.1); c.1458+10C>T (NM_005641.4, NM_001364998.1, NM_001364999.1).
Identifiers: ClinVar variation 3032327 (VCV003032327.2), dbSNP rs148739863, ClinGen allele CA4375299.

ClinVar aggregate classification (germline): Likely benign (0 of 4 stars; one submission).

Conditions:
TAF6-related disorder. Also called: TAF6-related condition.

Allele frequency attached by ClinVar (database versions not stated): TOPMed 0.00001; ExAC 0.00003; gnomAD 0.00003; gnomAD exomes 0.00003; 1000 Genomes Project 30x 0.00016; 1000 Genomes Project 0.00020.

Submission:

PreventionGenetics, part of Exact Sciences
Classification: Likely benign for TAF6-related condition. Last evaluated: 2020-09-30. Review status: no assertion criteria provided. Collection method: clinical testing. Allele origin: germline.
Comment: This variant is classified as likely benign based on ACMG/AMP sequence variant interpretation guidelines (Richards et al. 2015 PMID: 25741868, with internal and published modifications).